The following is an entry in ClinVar:

ClinVar aggregate classification (germline): Likely pathogenic (1 of 4 stars; one submission).

Submission:

GeneDx
Classification: Likely pathogenic. Last evaluated: 2021-07-30. Review status: criteria provided, single submitter. Criteria: GeneDx Variant Classification Process June 2021. Collection method: clinical testing. Allele origin: germline. Affected: yes.
Comment: Frameshift variant predicted to result in protein truncation or nonsense mediated decay in a gene for which loss-of-function is a known mechanism of disease; Has not been previously published as pathogenic or benign to our knowledge

NM_133443.4(GPT2):c.1133dup (p.Val379fs)

Gene: GPT2 (glutamic--pyruvic transaminase 2; plus strand). Cytogenetic location: 16q11.2.
Variant type: Duplication.
Coding change: c.1133dup on transcript NM_133443.4 (MANE Select); coding-DNA position 1133, one base duplicated (C; older notation c.1133dupC).
Protein change: p.Val379fs; shifts the reading frame from valine 379.
Molecular consequence: frameshift variant.
Genome position (GRCh38, 1-based): chr16:46,922,337, C duplicated; the last of 6 consecutive C bases (chr16:46,922,332-46,922,337); duplicating any one gives the same sequence. VCF-style (leftmost placement, unchanged base first): chr16-46922331-G-GC. GRCh37 (hg19) VCF-style: chr16-46956243-G-GC.
Other names: c.833dup, p.Val279fs (NM_001142466.3); short protein forms V279fs, V379fs.
Identifiers: ClinVar variation 1254563 (VCV001254563.2), dbSNP rs781387019, ClinGen allele CA8038795.